The following is an entry in ClinVar:

ClinVar aggregate classification (germline): Uncertain significance (1 of 4 stars; one submission).

Conditions:
Ataxia-telangiectasia-like disorder (ATLD). Identifiers: MedGen C1858391, MONDO:0011457.

Submission:

Labcorp Genetics (formerly Invitae), Labcorp
Classification: Uncertain significance for Ataxia-telangiectasia-like disorder. Last evaluated: 2024-04-29. Review status: criteria provided, single submitter. Criteria: Invitae Variant Classification Sherloc (09022015). Collection method: clinical testing. Allele origin: germline.
Comment: This sequence change falls in intron 11 of the MRE11 gene. It does not directly change the encoded amino acid sequence of the MRE11 protein. Information on the frequency of this variant in the gnomAD database is not available, as this variant may be reported differently in the database. This variant has not been reported in the literature in individuals affected with MRE11-related conditions. Experimental studies and prediction algorithms are not available or were not evaluated, and the effect of this variant on mRNA splicing is currently unknown. In summary, the available evidence is currently insufficient to determine the role of this variant in disease. Therefore, it has been classified as a Variant of Uncertain Significance.

NM_005591.4(MRE11):c.1225+19_1225+20delinsCT

Gene: MRE11 (MRE11 double strand break repair nuclease; minus strand). Cytogenetic location: 11q21.
Variant type: Indel.
Coding change: c.1225+19_1225+20delinsCT on transcript NM_005591.4 (MANE Select); bases 19 to 20 of the intron after coding-DNA position 1225, TG replaced by CT.
Molecular consequence: intron variant.
Genome position (GRCh38, 1-based): chr11:94,464,093-94,464,094, CA replaced by AG on the plus strand (TG replaced by CT on the coding strand, the reverse complement: MRE11 is on the minus strand). VCF-style: chr11-94464093-CA-AG. GRCh37 (hg19) VCF-style: chr11-94197259-CA-AG.
Other names: c.1225+19_1225+20delinsCT (NM_001330347.2, NM_005590.4).
Identifiers: ClinVar variation 3707056 (VCV003707056.2).